The following is an entry in ClinVar:

NM_001035.3(RYR2):c.2544C>T (p.Arg848=)

Gene: RYR2 (ryanodine receptor 2; plus strand). Cytogenetic location: 1q43.
Variant type: single nucleotide variant.
Coding change: c.2544C>T on transcript NM_001035.3 (MANE Select); coding-DNA position 2544, C replaced by T.
Protein change: p.Arg848=; no amino-acid change (arginine 848 retained).
Molecular consequence: synonymous variant.
Genome position (GRCh38, 1-based): chr1:237,503,436, C>T. VCF-style: chr1-237503436-C-T. GRCh37 (hg19) VCF-style: chr1-237666736-C-T.
Other names: c.2544C>T, p.Arg848= (LRG_402t1).
Identifiers: ClinVar variation 379263 (VCV000379263.14), dbSNP rs748097250, ClinGen allele CA086067.
Genomic context (GRCh38, chr1:237,503,436, plus strand): 5'-AAAAGAAAAGTTGAAAGTGGAACACAGCCGAGAGTACAAGCAAGAAAGAACTTACACACG[C>T]GACCTGCTGGGCCCCACAGTTTCCCTGACGCAAGCTGCCTTCACACCCATCCCTGTGGAT-3'
Protein context (NP_001026.2, residues 838-858): REYKQERTYT[Arg848=]DLLGPTVSLT

ClinVar aggregate classification (germline): Likely benign. Review status: criteria provided, multiple submitters, no conflicts (2 of 4 stars). 6 submissions from 6 submitters: Likely benign (6). Last evaluated 2025-10-25.

Conditions:
Cardiomyopathy (CMYO). Also called: Cardiomyopathies. Identifiers: Orphanet 167848, MedGen C0878544, MONDO:0004994, HP:0001638. Inheritance: Various modes of inheritance.
Catecholaminergic polymorphic ventricular tachycardia 1. Also called: RYR2-Related Catecholaminergic Polymorphic Ventricular Tachycardia; VENTRICULAR TACHYCARDIA, CATECHOLAMINERGIC POLYMORPHIC, 1, WITH OR WITHOUT ATRIAL DYSFUNCTION AND/OR DILATED CARDIOMYOPATHY; VENTRICULAR TACHYCARDIA, STRESS-INDUCED POLYMORPHIC 1. Identifiers: Orphanet 3286, MedGen C1631597, MONDO:0011484, OMIM 604772.
Catecholaminergic polymorphic ventricular tachycardia (CVPT). Also called: Catecholamine-induced polymorphic ventricular tachycardia. Identifiers: Orphanet 3286, MedGen C5574922, MONDO:0017990.
Cardiovascular phenotype. Identifiers: MedGen CN230736.

Allele frequency attached by ClinVar (database versions not stated): ExAC 0.00002; gnomAD exomes 0.00002; TOPMed 0.00002; gnomAD 0.00003.
gnomAD v4.1: 29 of 1,613,802 alleles (0.0018%); highest among the groups gnomAD compares: South Asian, 0.0044%; no homozygotes.

Submissions (6):

Labcorp Genetics (formerly Invitae), Labcorp
Classification: Likely benign for Catecholaminergic polymorphic ventricular tachycardia 1. Last evaluated: 2025-10-25. Review status: criteria provided, single submitter. Criteria: Invitae Variant Classification Sherloc (09022015). Collection method: clinical testing. Allele origin: germline.

All of Us Research Program, National Institutes of Health
Classification: Likely benign for Catecholaminergic polymorphic ventricular tachycardia. Last evaluated: 2023-12-01. Review status: criteria provided, single submitter. Criteria: ACMG Guidelines, 2015. Collection method: clinical testing. Allele origin: germline. Inheritance: Autosomal dominant inheritance. Observed: 5 variant alleles, 5 heterozygotes.
Comment: This study involves interpretation of variants in research participants for the purpose of population health screening. Participant phenotype was not available at the time of variant classification. Additional details can be found in publication PMID: 35346344, PMCID: PMC8962531

Blueprint Genetics
Classification: Likely benign. Last evaluated: 2023-03-31. Review status: criteria provided, single submitter. Criteria: ACMG Guidelines, 2015. Collection method: clinical testing. Allele origin: germline.

Ambry Genetics
Classification: Likely benign for Cardiovascular phenotype. Last evaluated: 2021-07-07. Review status: criteria provided, single submitter. Criteria: Ambry Variant Classification Scheme 2023. Collection method: clinical testing. Allele origin: germline.

Color Diagnostics, LLC DBA Color Health
Classification: Likely benign for Cardiomyopathy. Last evaluated: 2019-05-16. Review status: criteria provided, single submitter. Criteria: ACMG Guidelines, 2015. Collection method: clinical testing. Allele origin: germline.

GeneDx
Classification: Likely benign. Last evaluated: 2017-07-17. Review status: criteria provided, single submitter. Criteria: GeneDx Variant Classification (06012015). Collection method: clinical testing. Allele origin: germline. Affected: yes.
Comment: This variant is considered likely benign or benign based on one or more of the following criteria: it is a conservative change, it occurs at a poorly conserved position in the protein, it is predicted to be benign by multiple in silico algorithms, and/or has population frequency not consistent with disease.